The following is an entry in ClinVar:

NM_032119.4(ADGRV1):c.13145A>G (p.Asn4382Ser)

Gene: ADGRV1 (adhesion G protein-coupled receptor V1; plus strand). Cytogenetic location: 5q14.3.
Variant type: single nucleotide variant.
Coding change: c.13145A>G on transcript NM_032119.4 (MANE Select); coding-DNA position 13145, A replaced by G.
Protein change: p.Asn4382Ser; replaces asparagine 4382 with serine.
Molecular consequence: missense variant. On other transcripts: non-coding transcript variant (1).
Genome position (GRCh38, 1-based): chr5:90,781,492, A>G. VCF-style: chr5-90781492-A-G. GRCh37 (hg19) VCF-style: chr5-90077309-A-G.
Other names: short protein forms N4382S.
Identifiers: ClinVar variation 2111099 (VCV002111099.4), dbSNP rs748632218, ClinGen allele CA3341448.

ClinVar aggregate classification (germline): Uncertain significance (1 of 4 stars; one submission).

Allele frequency attached by ClinVar (database versions not stated): gnomAD exomes below 0.00001; ExAC 0.00001.
gnomAD v4.1: 4 of 1,610,770 alleles (0.00025%); highest among the groups gnomAD compares: Non-Finnish European, 0.00034%; no homozygotes.

Submission:

Labcorp Genetics (formerly Invitae), Labcorp
Classification: Uncertain significance. Last evaluated: 2022-06-26. Review status: criteria provided, single submitter. Criteria: Invitae Variant Classification Sherloc (09022015). Collection method: clinical testing. Allele origin: germline.
Comment: Algorithms developed to predict the effect of missense changes on protein structure and function are either unavailable or do not agree on the potential impact of this missense change (SIFT: "Tolerated"; PolyPhen-2: "Possibly Damaging"; Align-GVGD: "Class C0"). This variant has not been reported in the literature in individuals affected with ADGRV1-related conditions. This variant is present in population databases (rs748632218, gnomAD 0.002%). This sequence change replaces asparagine, which is neutral and polar, with serine, which is neutral and polar, at codon 4382 of the ADGRV1 protein (p.Asn4382Ser). In summary, the available evidence is currently insufficient to determine the role of this variant in disease. Therefore, it has been classified as a Variant of Uncertain Significance.